The following is an entry in ClinVar:

NM_015910.7(WDPCP):c.493A>G (p.Ser165Gly)

Gene: WDPCP (WD repeat containing planar cell polarity effector; minus strand). Cytogenetic location: 2p15.
Variant type: single nucleotide variant.
Coding change: c.493A>G on transcript NM_015910.7 (MANE Select); coding-DNA position 493, A replaced by G.
Protein change: p.Ser165Gly; replaces serine 165 with glycine.
Molecular consequence: missense variant. On other transcripts: non-coding transcript variant (2).
Genome position (GRCh38, 1-based): chr2:63,439,763, T>C on the plus strand (A>G on the coding strand, the complement: WDPCP is on the minus strand). VCF-style: chr2-63439763-T-C. GRCh37 (hg19) VCF-style: chr2-63666897-T-C.
Other names: c.421A>G, p.Ser141Gly (NM_001354044.2); c.493A>G, p.Ser165Gly (NM_001354045.2); short protein forms S141G, S165G.
Identifiers: ClinVar variation 2079226 (VCV002079226.4), dbSNP rs2467010901, ClinGen allele CA347064001.
Genomic context (GRCh38, chr2:63,439,763, plus strand): 5'-TTCTCCTGCCCCACTGTTAATGTAGGCAATTGATTTGCACATGGGGGTAATTACCATCAC[T>C]GATGGTGTCTGAGATGAGCTTCCCCACCAGGCTTCTGTCAATCACCACTTTCTCCAGCTG-3'
Protein context (NP_056994.3, residues 155-175): LVGKLISDTI[Ser165Gly]DALLTDSFII

ClinVar aggregate classification (germline): Uncertain significance (1 of 4 stars; one submission).

Conditions:
Bardet-Biedl syndrome (BBS). Identifiers: Orphanet 110, MedGen C0752166, MONDO:0015229.

Submission:

Labcorp Genetics (formerly Invitae), Labcorp
Classification: Uncertain significance for Bardet-Biedl syndrome. Last evaluated: 2023-01-24. Review status: criteria provided, single submitter. Criteria: Invitae Variant Classification Sherloc (09022015). Collection method: clinical testing. Allele origin: germline.
Comment: This variant is not present in population databases (gnomAD no frequency). This sequence change replaces serine, which is neutral and polar, with glycine, which is neutral and non-polar, at codon 165 of the WDPCP protein (p.Ser165Gly). This variant has not been reported in the literature in individuals affected with WDPCP-related conditions. Advanced modeling of protein sequence and biophysical properties (such as structural, functional, and spatial information, amino acid conservation, physicochemical variation, residue mobility, and thermodynamic stability) has been performed at Invitae for this missense variant, however the output from this modeling did not meet the statistical confidence thresholds required to predict the impact of this variant on WDPCP protein function. In summary, the available evidence is currently insufficient to determine the role of this variant in disease. Therefore, it has been classified as a Variant of Uncertain Significance.